The following is an entry in ClinVar:

ClinVar aggregate classification (germline): Likely pathogenic (1 of 4 stars; one submission).

Conditions:
White-Kernohan syndrome. Also called: GLOBAL DEVELOPMENTAL DELAY, HYPOTONIA, AND CHARACTERISTIC FACIAL FEATURES. Identifiers: MedGen C5543635, MONDO:0859169, OMIM 619426.

Submission:

Dubai Health Genomic Medicine Center, Dubai Health
Classification: Likely pathogenic for White-Kernohan syndrome. Last evaluated: 2024-10-04. Review status: criteria provided, single submitter. Criteria: ACMG Guidelines, 2015. Collection method: research. Allele origin: germline. Affected: yes.
Comment: PS2,PM2

NM_001923.5(DDB1):c.2353G>A (p.Glu785Lys)

Gene: DDB1 (damage specific DNA binding protein 1; minus strand). Cytogenetic location: 11q12.2.
Variant type: single nucleotide variant.
Coding change: c.2353G>A on transcript NM_001923.5 (MANE Select); coding-DNA position 2353, G replaced by A.
Protein change: p.Glu785Lys; replaces glutamic acid 785 with lysine.
Molecular consequence: missense variant.
Genome position (GRCh38, 1-based): chr11:61,310,343, C>T on the plus strand (G>A on the coding strand, the complement: DDB1 is on the minus strand). VCF-style: chr11-61310343-C-T. GRCh37 (hg19) VCF-style: chr11-61077815-C-T.
Other names: short protein forms E785K.
Identifiers: ClinVar variation 3384139 (VCV003384139.1).